The following is an entry in ClinVar:

NM_013266.4(CTNNA3):c.1073C>T (p.Thr358Ile)

Gene: CTNNA3 (catenin alpha 3; minus strand). Cytogenetic location: 10q21.3.
Variant type: single nucleotide variant.
Coding change: c.1073C>T on transcript NM_013266.4 (MANE Select); coding-DNA position 1073, C replaced by T.
Protein change: p.Thr358Ile; replaces threonine 358 with isoleucine.
Molecular consequence: missense variant.
Genome position (GRCh38, 1-based): chr10:66,775,499, G>A on the plus strand (C>T on the coding strand, the complement: CTNNA3 is on the minus strand). VCF-style: chr10-66775499-G-A. GRCh37 (hg19) VCF-style: chr10-68535257-G-A.
Other names: c.1073C>T, p.Thr358Ile (NM_001127384.3); short protein forms T358I.
Identifiers: ClinVar variation 959678 (VCV000959678.9), dbSNP rs751471841, ClinGen allele CA377092227.
Genomic context (GRCh38, chr10:66,775,499, plus strand): 5'-CTCACCTGTCTGCGAAGGTCTCTTGTCTTCTTACACATGTTGTCTAAAGCAATATTCAGG[G>A]TATTACTCCTTTCTTTTTTTCCAGCCTGCAAAGAAGAAAAAACGACATAAGCAATGGTAT-3'
Protein context (NP_037398.2, residues 348-368): NNAGKKERSN[Thr358Ile]LNIALDNMCK

ClinVar aggregate classification (germline): Uncertain significance (1 of 4 stars; one submission).

Conditions:
Arrhythmogenic right ventricular dysplasia 13. Also called: Arrhythmogenic right ventricular dysplasia, familial, 13; ARRHYTHMOGENIC RIGHT VENTRICULAR CARDIOMYOPATHY 13. Identifiers: MedGen C3810138, MONDO:0000908, OMIM 615616.

Submission:

Labcorp Genetics (formerly Invitae), Labcorp
Classification: Uncertain significance for Arrhythmogenic right ventricular dysplasia 13. Last evaluated: 2019-09-12. Review status: criteria provided, single submitter. Criteria: Invitae Variant Classification Sherloc (09022015). Collection method: clinical testing. Allele origin: germline.
Comment: In summary, the available evidence is currently insufficient to determine the role of this variant in disease. Therefore, it has been classified as a Variant of Uncertain Significance. Algorithms developed to predict the effect of missense changes on protein structure and function are either unavailable or do not agree on the potential impact of this missense change (SIFT: "Tolerated"; PolyPhen-2: "Possibly Damaging"; Align-GVGD: "Class C0"). This variant has not been reported in the literature in individuals with CTNNA3-related conditions. This variant is not present in population databases (ExAC no frequency). This sequence change replaces threonine with isoleucine at codon 358 of the CTNNA3 protein (p.Thr358Ile). The threonine residue is weakly conserved and there is a moderate physicochemical difference between threonine and isoleucine.